The following is an entry in ClinVar:

ClinVar aggregate classification (germline): Likely benign (1 of 4 stars; one submission).

Conditions:
PMP22-related disorder. Also called: PMP22-related condition; PMP22-related disorders.

gnomAD v4.1: 71 of 717,618 alleles (0.0099%); highest among the groups gnomAD compares: East Asian, 0.17%; no homozygotes.

Submission:

PreventionGenetics, part of Exact Sciences
Classification: Likely benign for PMP22-related condition. Last evaluated: 2026-01-11. Review status: criteria provided, single submitter. Criteria: ACMG Guidelines, 2015. Collection method: clinical testing. Allele origin: germline.
Comment: This variant is classified as likely benign based on ACMG/AMP sequence variant interpretation guidelines (Richards et al. 2015 PMID: 25741868, with internal and published modifications).

NM_000304.4(PMP22):c.320-4192G>A

Gene: PMP22 (peripheral myelin protein 22; minus strand). Cytogenetic location: 17p12.
Variant type: single nucleotide variant.
Coding change: c.320-4192G>A on transcript NM_000304.4 (MANE Select); 4192 bases into the intron before coding-DNA position 320, G replaced by A.
Molecular consequence: intron variant. On other transcripts: missense variant (1).
Genome position (GRCh38, 1-based): chr17:15,235,272, C>T on the plus strand (G>A on the coding strand, the complement: PMP22 is on the minus strand). VCF-style: chr17-15235272-C-T. GRCh37 (hg19) VCF-style: chr17-15138589-C-T.
Other names: c.332G>A, p.Ser111Asn (NM_001330143.2); c.320-4192G>A (NM_001281456.2, NM_153321.3, NM_001281455.2 and 1 more transcripts); short protein forms S111N.
Identifiers: ClinVar variation 4979570 (VCV004979570.1).